The following is an entry in ClinVar:

NM_001378183.1(PIEZO2):c.239C>T (p.Thr80Met)

Gene: PIEZO2 (piezo type mechanosensitive ion channel component 2; minus strand). Cytogenetic location: 18p11.21.
Variant type: single nucleotide variant.
Coding change: c.239C>T on transcript NM_001378183.1 (MANE Select); coding-DNA position 239, C replaced by T.
Protein change: p.Thr80Met; replaces threonine 80 with methionine.
Molecular consequence: missense variant.
Genome position (GRCh38, 1-based): chr18:10,979,582, G>A on the plus strand (C>T on the coding strand, the complement: PIEZO2 is on the minus strand). VCF-style: chr18-10979582-G-A. GRCh37 (hg19) VCF-style: chr18-10979580-G-A.
Other names: c.239C>T, p.Thr80Met (NM_001410871.1, NM_022068.4); short protein forms T80M.
Identifiers: ClinVar variation 1706263 (VCV001706263.2), dbSNP rs370661809, ClinGen allele CA8892869.

ClinVar aggregate classification (germline): Uncertain significance (1 of 4 stars; one submission).

Allele frequency attached by ClinVar (database versions not stated): gnomAD 0.00003; TOPMed 0.00003; ExAC 0.00006; gnomAD exomes 0.00007; ESP Exome Variant Server 0.00022.
gnomAD v4.1: 103 of 1,535,906 alleles (0.0067%); highest among the groups gnomAD compares: Non-Finnish European, 0.0088%; no homozygotes.

Submission:

GeneDx
Classification: Uncertain significance. Last evaluated: 2022-03-17. Review status: criteria provided, single submitter. Criteria: GeneDx Variant Classification Process June 2021. Collection method: clinical testing. Allele origin: germline. Affected: yes.
Comment: In silico analysis supports that this missense variant does not alter protein structure/function; Has not been previously published as pathogenic or benign to our knowledge